The following is an entry in ClinVar:

NM_170707.4(LMNA):c.362C>T (p.Thr121Ile)

Genes: LMNA (lamin A/C; plus strand), LOC126805877 (MED14-independent group 3 enhancer GRCh37_chr1:156099693-156100892; plus strand). Cytogenetic location: 1q22.
Variant type: single nucleotide variant.
Coding change: c.362C>T on transcript NM_170707.4 (MANE Select); coding-DNA position 362, C replaced by T.
Protein change: p.Thr121Ile; replaces threonine 121 with isoleucine.
Molecular consequence: missense variant. On other transcripts: 5 prime UTR variant (7), intron variant (4).
Genome position (GRCh38, 1-based): chr1:156,130,622, C>T. VCF-style: chr1-156130622-C-T. GRCh37 (hg19) VCF-style: chr1-156100413-C-T.
Other names: c.26C>T, p.Thr9Ile (NM_001257374.3, NM_001406989.1, NM_001406998.1); c.119C>T, p.Thr40Ile (NM_001282624.2, NM_001406986.1, NM_001406987.1); c.362C>T, p.Thr121Ile (NM_001282625.2, NM_001282626.2, NM_001406983.1 and 6 more transcripts); c.65C>T, p.Thr22Ile (NM_001406988.1); c.-197C>T (NM_001406993.1, NM_001406996.1, NM_001406997.1 and 1 more transcripts); c.-303C>T (NM_001406994.1, NM_001406999.1, NM_001407000.1); c.-45-3781C>T (NM_001407002.1, NM_001406995.1, NM_001406990.1); c.-151-3781C>T (NM_001407001.1); short protein forms T22I, T121I, T40I, T9I.
Identifiers: ClinVar variation 3709988 (VCV003709988.2).

ClinVar aggregate classification (germline): Uncertain significance (1 of 4 stars; one submission).

Conditions:
Charcot-Marie-Tooth disease type 2. Also called: Charcot-Marie-Tooth type 2. Identifiers: Orphanet 64746, MedGen C0270914, MONDO:0018993.

gnomAD v4.1: 3 of 1,613,946 alleles (0.00019%); highest among the groups gnomAD compares: Admixed American, 0.0033%; no homozygotes.

Submission:

Labcorp Genetics (formerly Invitae), Labcorp
Classification: Uncertain significance for Charcot-Marie-Tooth disease type 2. Last evaluated: 2025-04-11. Review status: criteria provided, single submitter. Criteria: Invitae Variant Classification Sherloc (09022015). Collection method: clinical testing. Allele origin: germline.
Comment: This sequence change replaces threonine, which is neutral and polar, with isoleucine, which is neutral and non-polar, at codon 121 of the LMNA protein (p.Thr121Ile). This variant is present in population databases (rs757961893, gnomAD 0.006%). This variant has not been reported in the literature in individuals affected with LMNA-related conditions. ClinVar contains an entry for this variant (Variation ID: 3709988). Invitae Evidence Modeling of protein sequence and biophysical properties (such as structural, functional, and spatial information, amino acid conservation, physicochemical variation, residue mobility, and thermodynamic stability) indicates that this missense variant is expected to disrupt LMNA protein function with a positive predictive value of 95%. In summary, the available evidence is currently insufficient to determine the role of this variant in disease. Therefore, it has been classified as a Variant of Uncertain Significance.